The following is an entry in ClinVar:

ClinVar aggregate classification (germline): Likely pathogenic (1 of 4 stars; one submission).

Conditions:
Hepatoencephalopathy due to combined oxidative phosphorylation defect type 1. Also called: HEPATOENCEPHALOPATHY, EARLY FATAL PROGRESSIVE. Identifiers: Orphanet 137681, MedGen C1836797, MONDO:0012191, OMIM 609060.

Submission:

Natera, Inc.
Classification: Likely pathogenic for Combined oxidative phosphorylation deficiency 1. Last evaluated: 2024-06-07. Review status: criteria provided, single submitter. Criteria: Natera Variant Classification Schema (03/2026). Collection method: clinical testing. Allele origin: germline.
Comment: The c.990del variant in GFM1 is a frameshift variant predicted to shift the reading frame beginning at codon 330 and leads to a stop codon 13 codons downstream. This variant is expected to result in nonsense mediated decay, truncation, or a dysfunctional protein product. This variant is rare in the general population with a frequency below the threshold expected for the associated phenotype(s). Given the available evidence, this variant is classified as Likely Pathogenic.

NM_024996.7(GFM1):c.990del (p.Asn330fs)

Gene: GFM1 (G elongation factor mitochondrial 1; plus strand). Cytogenetic location: 3q25.32.
Variant type: Deletion.
Coding change: c.990del on transcript NM_024996.7 (MANE Select); coding-DNA position 990, one base deleted (T; older notation c.990delT).
Protein change: p.Asn330fs; shifts the reading frame from asparagine 330.
Molecular consequence: frameshift variant. On other transcripts: non-coding transcript variant (4).
Genome position (GRCh38, 1-based): chr3:158,653,459, T deleted. VCF-style (leftmost placement, unchanged base first): chr3-158653458-AT-A. GRCh37 (hg19) VCF-style: chr3-158371247-AT-A.
Other names: c.1047del, p.Asn349fs (NM_001308164.2, NM_001374355.1); c.990del, p.Asn330fs (NM_001308166.2); c.873del, p.Asn291fs (NM_001374356.1); c.765del, p.Asn255fs (NM_001374357.1); c.531del, p.Asn177fs (NM_001374358.1); c.423del, p.Asn141fs (NM_001374359.1, NM_001374360.1); c.306del, p.Asn102fs (NM_001374361.1); short protein forms N102fs, N141fs, N177fs, N255fs, N291fs, N330fs, N349fs.
Identifiers: ClinVar variation 4816190 (VCV004816190.1).
Genomic context (GRCh38, chr3:158,653,458, plus strand): 5'-TAGATGCTGTTTTAGAATACCTCCCAAATCCATCTGAAGTCCAGAACTATGCTATTCTCA[AT>A]AAAGAGGAGTAAGTCTTGAAAATTGAATCTTAGTTTATGCAGAAATACTTTCGTATTTAT-3'